The following is an entry in ClinVar:

ClinVar aggregate classification (germline): Uncertain significance. Review status: criteria provided, multiple submitters, no conflicts (2 of 4 stars). 2 submissions from 2 submitters: Uncertain significance (2). Last evaluated 2025-06-27.

Allele frequency attached by ClinVar (database versions not stated): gnomAD 0.00001; gnomAD exomes 0.00002; TOPMed 0.00003.
gnomAD v4.1: 37 of 1,604,150 alleles (0.0023%); highest among the groups gnomAD compares: Non-Finnish European, 0.0026%; no homozygotes.

Submissions (2):

Labcorp Genetics (formerly Invitae), Labcorp
Classification: Uncertain significance. Last evaluated: 2025-06-27. Review status: criteria provided, single submitter. Criteria: Invitae Variant Classification Sherloc (09022015). Collection method: clinical testing. Allele origin: germline.
Comment: This sequence change replaces alanine, which is neutral and non-polar, with threonine, which is neutral and polar, at codon 613 of the ACAN protein (p.Ala613Thr). This variant is present in population databases (rs377219636, gnomAD 0.003%). This variant has not been reported in the literature in individuals affected with ACAN-related conditions. ClinVar contains an entry for this variant (Variation ID: 1425296). Invitae Evidence Modeling of protein sequence and biophysical properties (such as structural, functional, and spatial information, amino acid conservation, physicochemical variation, residue mobility, and thermodynamic stability) indicates that this missense variant is not expected to disrupt ACAN protein function with a negative predictive value of 80%. In summary, the available evidence is currently insufficient to determine the role of this variant in disease. Therefore, it has been classified as a Variant of Uncertain Significance.

Blueprint Genetics
Classification: Uncertain significance. Last evaluated: 2020-03-24. Review status: criteria provided, single submitter. Criteria: ACMG Guidelines, 2015. Collection method: clinical testing. Allele origin: germline.

NM_001369268.1(ACAN):c.1837G>A (p.Ala613Thr)

Gene: ACAN (aggrecan; plus strand). Cytogenetic location: 15q26.1.
Variant type: single nucleotide variant.
Coding change: c.1837G>A on transcript NM_001369268.1 (MANE Select); coding-DNA position 1837, G replaced by A.
Protein change: p.Ala613Thr; replaces alanine 613 with threonine.
Molecular consequence: missense variant.
Genome position (GRCh38, 1-based): chr15:88,849,542, G>A. VCF-style: chr15-88849542-G-A. GRCh37 (hg19) VCF-style: chr15-89392773-G-A.
Other names: c.1837G>A, p.Ala613Thr (NM_001135.4, NM_013227.4); short protein forms A613T.
Identifiers: ClinVar variation 1425296 (VCV001425296.9), dbSNP rs377219636, ClinGen allele CA7719701.